The following is an entry in ClinVar:

ClinVar aggregate classification (germline): Likely pathogenic (1 of 4 stars; one submission).

Submission:

Labcorp Genetics (formerly Invitae), Labcorp
Classification: Likely pathogenic. Last evaluated: 2022-10-29. Review status: criteria provided, single submitter. Criteria: Invitae Variant Classification Sherloc (09022015). Collection method: clinical testing. Allele origin: germline.
Comment: This variant results in the deletion of part of exon 32 of the COL7A1 gene. It is expected to disrupt RNA splicing. Variants that disrupt the donor or acceptor splice site typically lead to a loss of protein function (PMID: 16199547), and loss-of-function variants in COL7A1 are known to be pathogenic (PMID: 16971478). This variant is not present in population databases (gnomAD no frequency). This variant has not been reported in the literature in individuals affected with COL7A1-related conditions. Algorithms developed to predict the effect of sequence changes on RNA splicing suggest that this variant may disrupt the consensus splice site. In summary, the currently available evidence indicates that the variant is pathogenic, but additional data are needed to prove that conclusively. Therefore, this variant has been classified as Likely Pathogenic.

Literature cited by the submitters: PubMed 16199547; PubMed 16971478.

NM_000094.4(COL7A1):c.3895-34_3905del

Gene: COL7A1 (collagen type VII alpha 1 chain; minus strand). Cytogenetic location: 3p21.31.
Variant type: Deletion.
Coding change: c.3895-34_3905del on transcript NM_000094.4 (MANE Select); 34 bases into the intron before coding-DNA position 3895 through coding-DNA position 3905, 45 bases deleted.
Molecular consequence: splice acceptor variant.
Genome position (GRCh38, 1-based): chr3:48,585,106-48,585,150, 45 bases deleted; deleting any 45 consecutive bases within chr3:48,585,106-48,585,152 gives the same sequence; the c. name uses the placement nearest the transcript's 3' end. GRCh37 (hg19): chr3:48,622,541-48,622,585.
Identifiers: ClinVar variation 2810485 (VCV002810485.3), dbSNP rs2531183347, ClinGen allele CA2739279170.